The following is an entry in ClinVar:

NM_001130144.3(LTBP3):c.3134A>G (p.Asn1045Ser)

Genes: LTBP3 (latent transforming growth factor beta binding protein 3; minus strand), LOC121832793 (Sharpr-MPRA regulatory region 4001; plus strand). Cytogenetic location: 11q13.1.
Variant type: single nucleotide variant.
Coding change: c.3134A>G on transcript NM_001130144.3 (MANE Select); coding-DNA position 3134, A replaced by G.
Protein change: p.Asn1045Ser; replaces asparagine 1045 with serine.
Molecular consequence: missense variant.
Genome position (GRCh38, 1-based): chr11:65,540,355, T>C on the plus strand (A>G on the coding strand, the complement: LTBP3 is on the minus strand). VCF-style: chr11-65540355-T-C. GRCh37 (hg19) VCF-style: chr11-65307826-T-C.
Other names: c.2783A>G, p.Asn928Ser (NM_001164266.1); c.3134A>G, p.Asn1045Ser (NM_021070.4); short protein forms N1045S, N928S.
Identifiers: ClinVar variation 3631161 (VCV003631161.2).

ClinVar aggregate classification (germline): Uncertain significance (1 of 4 stars; one submission).

Conditions:
Brachyolmia-amelogenesis imperfecta syndrome. Also called: Tooth agenesis, selective, 6; Dental anomalies and short stature; PLATYSPONDYLY WITH AMELOGENESIS IMPERFECTA. Identifiers: Orphanet 2899, MedGen C1832594, MONDO:0011018, OMIM 601216. Disease mechanism: loss of function.

gnomAD v4.1: 9 of 1,591,524 alleles (0.00057%); highest among the groups gnomAD compares: African/African-American, 0.0027%; no homozygotes.

Submission:

Labcorp Genetics (formerly Invitae), Labcorp
Classification: Uncertain significance for Brachyolmia-amelogenesis imperfecta syndrome. Last evaluated: 2025-11-09. Review status: criteria provided, single submitter. Criteria: Invitae Variant Classification Sherloc (09022015). Collection method: clinical testing. Allele origin: germline.
Comment: This sequence change replaces asparagine, which is neutral and polar, with serine, which is neutral and polar, at codon 1045 of the LTBP3 protein (p.Asn1045Ser). This variant is present in population databases (rs752339288, gnomAD 0.004%). This variant has not been reported in the literature in individuals affected with LTBP3-related conditions. ClinVar contains an entry for this variant (Variation ID: 3631161). An algorithm developed to predict the effect of missense changes on protein structure and function (PolyPhen-2) suggests that this variant is likely to be disruptive. In summary, the available evidence is currently insufficient to determine the role of this variant in disease. Therefore, it has been classified as a Variant of Uncertain Significance.